The following is an entry in ClinVar:

NM_004260.4(RECQL4):c.535C>T (p.Leu179=)

Gene: RECQL4 (RecQ like helicase 4; minus strand). Cytogenetic location: 8q24.3.
Variant type: single nucleotide variant.
Coding change: c.535C>T on transcript NM_004260.4 (MANE Select); coding-DNA position 535, C replaced by T.
Protein change: p.Leu179=; no amino-acid change (leucine 179 retained).
Molecular consequence: synonymous variant.
Genome position (GRCh38, 1-based): chr8:144,516,584, G>A on the plus strand (C>T on the coding strand, the complement: RECQL4 is on the minus strand). VCF-style: chr8-144516584-G-A. GRCh37 (hg19) VCF-style: chr8-145741968-G-A.
Identifiers: ClinVar variation 1097946 (VCV001097946.9), dbSNP rs1308038651, ClinGen allele CA463567782.
Genomic context (GRCh38, chr8:144,516,584, plus strand): 5'-GGACCTCACTGTGACATCGCTGTAACCAGCCAGGATCTAGGGAGCCCAGCCGCTGGCTCA[G>A]GGATGCCTGCAGATGCTGGAGCCGGCCTGGCCTTGGCTGGGGCTCAGGGAGCTGTGGAGG-3'
Protein context (NP_004251.4, residues 169-189): PGRLQHLQAS[Leu179=]SQRLGSLDPG

ClinVar aggregate classification (germline): Conflicting classifications of pathogenicity. Review status: criteria provided, conflicting classifications (1 of 4 stars). 3 submissions from 3 submitters: Uncertain significance (1); Likely benign (2). Last evaluated 2024-11-27.

Conditions:
Hereditary cancer-predisposing syndrome. Also called: Neoplastic Syndromes, Hereditary; Hereditary neoplastic syndrome; Hereditary Cancer Syndrome; Tumor predisposition. Identifiers: Orphanet 140162, MedGen C0027672, MeSH D009386, MONDO:0015356.
Baller-Gerold syndrome (BGS). Also called: CRANIOSYNOSTOSIS WITH RADIAL DEFECTS. Identifiers: Orphanet 1225, MedGen C0265308, MONDO:0009039, OMIM 218600.
Inborn genetic diseases. Identifiers: MedGen C0950123, MeSH D030342.

Allele frequency attached by ClinVar (database versions not stated): gnomAD exomes below 0.00001; gnomAD 0.00001; TOPMed 0.00001.

Submissions (3):

Ambry Genetics
Classification: Likely benign for Inborn genetic diseases. Last evaluated: 2024-11-27. Review status: criteria provided, single submitter. Criteria: Ambry Variant Classification Scheme 2023. Collection method: clinical testing. Allele origin: germline.

Labcorp Genetics (formerly Invitae), Labcorp
Classification: Likely benign for Baller-Gerold syndrome. Last evaluated: 2024-07-29. Review status: criteria provided, single submitter. Criteria: Invitae Variant Classification Sherloc (09022015). Collection method: clinical testing. Allele origin: germline.

Sema4
Classification: Uncertain significance for Hereditary cancer-predisposing syndrome. Last evaluated: 2022-03-16. Review status: criteria provided, single submitter. Criteria: Sema4 Curation Guidelines. Collection method: curation. Allele origin: germline.
Comment: The RECQL4 c.535C>T (p.L179=) variant has not been reported in the literature to our knowledge. It was observed in 1/107926 chromosomes of the Non-Finnish European subpopulation in the large and broad cohorts of the Genome Aggregation Database (PMID: 32461654). This variant has been reported in ClinVar (Variation ID 1097946). The nucleotide is moderately conserved and in silico tools that predict the effect of sequence changes on splicing suggest that this variant may not impact splicing, though these predictions have not been confirmed by functional studies. The evidence is insufficient to meet ACMG/AMP criteria for classifying the variant as benign or pathogenic. Thus, the clinical significance of this variant is currently uncertain.